The following is an entry in ClinVar:

NM_001165963.4(SCN1A):c.1719C>G (p.Ser573Arg)

Gene: SCN1A (sodium voltage-gated channel alpha subunit 1; minus strand). Cytogenetic location: 2q24.3.
Variant type: single nucleotide variant.
Coding change: c.1719C>G on transcript NM_001165963.4 (MANE Select); coding-DNA position 1719, C replaced by G.
Protein change: p.Ser573Arg; replaces serine 573 with arginine.
Molecular consequence: missense variant. On other transcripts: 5 prime UTR variant (1), non-coding transcript variant (1).
Genome position (GRCh38, 1-based): chr2:166,043,993, G>C on the plus strand (C>G on the coding strand, the complement: SCN1A is on the minus strand). VCF-style: chr2-166043993-G-C. GRCh37 (hg19) VCF-style: chr2-166900503-G-C.
Other names: c.1719C>G, p.Ser573Arg (NM_001165964.3, NM_001202435.3, NM_001353948.2 and 7 more transcripts); c.1716C>G, p.Ser572Arg (NM_001353954.2, NM_001353955.2, NM_001353960.2); c.-707C>G (NM_001353961.2); c.1719C>G (NM_001165963.1); short protein forms S572R, S573R.
Identifiers: ClinVar variation 1174161 (VCV001174161.8), dbSNP rs748767737, ClinGen allele CA349067950.
Genomic context (GRCh38, chr2:166,043,993, plus strand): 5'-ATCATCTGCGAAGTCGTTCTCAGATCCCACATCCTTTGCTCGCCCTCTAAAGCTGAAAAG[G>C]CTTGTTCTGCTATTTCGCCTTGGTGAAAATAGGGAGCCACGGATGCTCAACAAAGACTAG-3'
Protein context (NP_001159435.1, residues 563-583): LFSPRRNSRT[Ser573Arg]LFSFRGRAKD

ClinVar aggregate classification (germline): Conflicting classifications of pathogenicity. Review status: criteria provided, conflicting classifications (1 of 4 stars). 3 submissions from 3 submitters: Pathogenic (1); Uncertain significance (2). Last evaluated 2025-08-21.

Conditions:
Generalized epilepsy with febrile seizures plus, type 2 (GEFSP2). Also called: GEFS+, TYPE 2. Identifiers: Orphanet 36387, MedGen C1858673, MONDO:0011461, OMIM 604403.
Early-infantile DEE. Also called: Ohtahara syndrome; Early infantile epileptic encephalopathy; Early infantile epileptic encephalopathy with suppression bursts. Identifiers: Orphanet 1934, MedGen C0393706, MONDO:0800491.

gnomAD v4.1: 1 of 1,614,162 alleles (0.000062%); highest among the groups gnomAD compares: Non-Finnish European, 0.000085%; no homozygotes.

Submissions (3):

Labcorp Genetics (formerly Invitae), Labcorp
Classification: Pathogenic for Early-infantile DEE. Last evaluated: 2025-08-21. Review status: criteria provided, single submitter. Criteria: Invitae Variant Classification Sherloc (09022015). Collection method: clinical testing. Allele origin: germline.
Comment: This sequence change replaces serine, which is neutral and polar, with arginine, which is basic and polar, at codon 573 of the SCN1A protein (p.Ser573Arg). This variant is not present in population databases (gnomAD no frequency). This missense change has been observed in individuals with autosomal dominant SCN1A-related conditions (PMID: 33895391, 35074891, 37209046). ClinVar contains an entry for this variant (Variation ID: 1174161). Invitae Evidence Modeling of protein sequence and biophysical properties (such as structural, functional, and spatial information, amino acid conservation, physicochemical variation, residue mobility, and thermodynamic stability) indicates that this missense variant is expected to disrupt SCN1A protein function with a positive predictive value of 95%. For these reasons, this variant has been classified as Pathogenic.

GeneDx
Classification: Uncertain significance. Last evaluated: 2024-05-08. Review status: criteria provided, single submitter. Criteria: GeneDx Variant Classification Process June 2021. Collection method: clinical testing. Allele origin: germline. Affected: yes.
Comment: Not observed at significant frequency in large population cohorts (gnomAD); In silico analysis supports that this missense variant has a deleterious effect on protein structure/function; This substitution is predicted to be within the cytoplasmic loop between the first and second homologous domains; This variant is associated with the following publications: (PMID: 33895391, 37209046)

Lifecell International Pvt. Ltd
Classification: Uncertain significance for Generalized epilepsy with febrile seizures plus, type 2. Review status: criteria provided, single submitter. Criteria: ACMG Guidelines 2015. Collection method: clinical testing. Allele origin: germline. Inheritance: Autosomal dominant inheritance. Affected: yes. Observed: 1 variant allele, 1 heterozygote.
Comment: A heterozygous missense variant (c.1719C>G) in exon 14 of the SCN1A gene that results in the amino acid substitution from serine to arginine at codon 573 (p.Ser573Arg) was identified. There is a moderate physicochemical difference between serine and arginine. The observed variant is not present in both the 1000 Genomes and gnomAD databases. The reference base is conserved across the species and in-silico predictions by Polyphen and SIFT are damaging. The Missense Variants Z-Score for this variant is 5.61. Missense Variants Z-Score is produced by the Exome Aggregation Consortium (60,706 adult humans) by computing a signed Z score for the deviation of observed counts from the expected number. Positive Z scores indicate increased constraint (intolerance to variation) and therefore that the gene had fewer missense variants than expected. (DOI: 10.1038/nature19057). The gene contains 357 pathogenic missense variants, indicating that missense variants are a common mechanism of disease in this gene. Based on the above evidence this variant has been classified as Variant of uncertain significance according to the ACMG guidelines.

Literature cited by the submitters: PubMed 33895391 (cited by Labcorp Genetics (formerly Invitae), Labcorp); PubMed 35074891 (cited by Labcorp Genetics (formerly Invitae), Labcorp); PubMed 37209046 (cited by Labcorp Genetics (formerly Invitae), Labcorp).